The following is an entry in ClinVar:

ClinVar aggregate classification (germline): Uncertain significance. Review status: criteria provided, multiple submitters, no conflicts (2 of 4 stars). 2 submissions from 2 submitters: Uncertain significance (2). Last evaluated 2025-02-13.

Conditions:
Hereditary cancer-predisposing syndrome. Also called: Tumor predisposition; Hereditary Cancer Syndrome; Hereditary neoplastic syndrome; Neoplastic Syndromes, Hereditary. Identifiers: Orphanet 140162, MedGen C0027672, MeSH D009386, MONDO:0015356.
Ataxia-telangiectasia syndrome (AT). Also called: Ataxia-telangiectasia, complementation group D; AT, COMPLEMENTATION GROUP C; ATAXIA-TELANGIECTASIA, COMPLEMENTATION GROUP A; ATAXIA-TELANGIECTASIA, FRESNO VARIANT; Ataxia-telangiectasia, complementation group E; LOUIS-BAR SYNDROME. Identifiers: Orphanet 100, MedGen C0004135, MONDO:0008840, OMIM 208900.

gnomAD v4.1: 2 of 1,613,690 alleles (0.00012%); highest among the groups gnomAD compares: East Asian, 0.0045%; no homozygotes.

Submissions (2):

Labcorp Genetics (formerly Invitae), Labcorp
Classification: Uncertain significance for Ataxia-telangiectasia syndrome. Last evaluated: 2025-02-13. Review status: criteria provided, single submitter. Criteria: Invitae Variant Classification Sherloc (09022015). Collection method: clinical testing. Allele origin: germline.
Comment: This sequence change replaces threonine, which is neutral and polar, with isoleucine, which is neutral and non-polar, at codon 2228 of the ATM protein (p.Thr2228Ile). This variant is not present in population databases (gnomAD no frequency). This variant has not been reported in the literature in individuals affected with ATM-related conditions. ClinVar contains an entry for this variant (Variation ID: 2057744). Invitae Evidence Modeling of protein sequence and biophysical properties (such as structural, functional, and spatial information, amino acid conservation, physicochemical variation, residue mobility, and thermodynamic stability) indicates that this missense variant is not expected to disrupt ATM protein function with a negative predictive value of 95%. In summary, the available evidence is currently insufficient to determine the role of this variant in disease. Therefore, it has been classified as a Variant of Uncertain Significance.

Ambry Genetics
Classification: Uncertain significance for Hereditary cancer-predisposing syndrome. Last evaluated: 2023-08-11. Review status: criteria provided, single submitter. Criteria: Ambry Variant Classification Scheme 2023. Collection method: clinical testing. Allele origin: germline.
Comment: The p.T2228I variant (also known as c.6683C>T), located in coding exon 45 of the ATM gene, results from a C to T substitution at nucleotide position 6683. The threonine at codon 2228 is replaced by isoleucine, an amino acid with similar properties. This amino acid position is well conserved in available vertebrate species. In addition, the in silico prediction for this alteration is inconclusive. Since supporting evidence is limited at this time, the clinical significance of this alteration remains unclear.

NM_000051.4(ATM):c.6683C>T (p.Thr2228Ile)

Genes: ATM (ATM serine/threonine kinase; plus strand), C11orf65 (chromosome 11 open reading frame 65; minus strand). Cytogenetic location: 11q22.3.
Variant type: single nucleotide variant.
Coding change: c.6683C>T on transcript NM_000051.4 (MANE Select); coding-DNA position 6683, C replaced by T.
Protein change: p.Thr2228Ile; replaces threonine 2228 with isoleucine.
Molecular consequence: missense variant. On other transcripts: intron variant (2).
Genome position (GRCh38, 1-based): chr11:108,325,420, C>T. VCF-style: chr11-108325420-C-T. GRCh37 (hg19) VCF-style: chr11-108196147-C-T.
Other names: c.*38+9800G>A (NM_001351110.2); c.6683C>T, p.Thr2228Ile (NM_001351834.2); c.641-16349G>A (NM_001330368.2); short protein forms T2228I.
Identifiers: ClinVar variation 2057744 (VCV002057744.3), dbSNP rs2085565666, ClinGen allele CA382554889.